The following is an entry in ClinVar:

ClinVar aggregate classification (germline): Uncertain significance. Review status: criteria provided, multiple submitters, no conflicts (2 of 4 stars). 2 submissions from 2 submitters: Uncertain significance (2). Last evaluated 2026-01-13.

Conditions:
Hereditary cancer-predisposing syndrome. Also called: Neoplastic Syndromes, Hereditary; Tumor predisposition; Hereditary neoplastic syndrome; Hereditary Cancer Syndrome. Identifiers: Orphanet 140162, MedGen C0027672, MeSH D009386, MONDO:0015356.
Hereditary nonpolyposis colorectal neoplasms. Identifiers: MedGen C0009405, MeSH D003123.

Allele frequency attached by ClinVar (database versions not stated): ExAC 0.00001; gnomAD exomes 0.00001.
gnomAD v4.1: 12 of 1,614,134 alleles (0.00074%); highest among the groups gnomAD compares: South Asian, 0.013%; no homozygotes.

Submissions (2):

Labcorp Genetics (formerly Invitae), Labcorp
Classification: Uncertain significance for Hereditary nonpolyposis colorectal neoplasms. Last evaluated: 2026-01-13. Review status: criteria provided, single submitter. Criteria: Invitae Variant Classification Sherloc (09022015). Collection method: clinical testing. Allele origin: germline.
Comment: This sequence change replaces threonine, which is neutral and polar, with proline, which is neutral and non-polar, at codon 523 of the MSH6 protein (p.Thr523Pro). This variant is present in population databases (rs759857124, gnomAD 0.006%). This variant has not been reported in the literature in individuals affected with MSH6-related conditions. ClinVar contains an entry for this variant (Variation ID: 580326). Invitae Evidence Modeling incorporating data from in vitro experimental studies (internal data) indicates that this missense variant is expected to disrupt MSH6 function with a positive predictive value of 95%. In summary, the available evidence is currently insufficient to determine the role of this variant in disease. Therefore, it has been classified as a Variant of Uncertain Significance.

Ambry Genetics
Classification: Uncertain significance for Hereditary cancer-predisposing syndrome. Last evaluated: 2025-01-15. Review status: criteria provided, single submitter. Criteria: Ambry Variant Classification Scheme 2023. Collection method: clinical testing. Allele origin: germline.
Comment: The p.T523P variant (also known as c.1567A>C), located in coding exon 4 of the MSH6 gene, results from an A to C substitution at nucleotide position 1567. The threonine at codon 523 is replaced by proline, an amino acid with highly similar properties. This amino acid position is highly conserved in available vertebrate species. In addition, this alteration is predicted to be deleterious by in silico analysis. Based on the available evidence, the clinical significance of this variant remains unclear.

NM_000179.3(MSH6):c.1567A>C (p.Thr523Pro)

Gene: MSH6 (mutS homolog 6; plus strand). Cytogenetic location: 2p16.3.
Variant type: single nucleotide variant.
Coding change: c.1567A>C on transcript NM_000179.3 (MANE Select); coding-DNA position 1567, A replaced by C.
Protein change: p.Thr523Pro; replaces threonine 523 with proline.
Molecular consequence: missense variant.
Genome position (GRCh38, 1-based): chr2:47,799,550, A>C. VCF-style: chr2-47799550-A-C. GRCh37 (hg19) VCF-style: chr2-48026689-A-C.
Other names: c.1177A>C, p.Thr393Pro (NM_001281492.2); c.661A>C, p.Thr221Pro (NM_001281493.2, NM_001281494.2); short protein forms T523P, T221P, T393P.
Identifiers: ClinVar variation 580326 (VCV000580326.9), dbSNP rs759857124, ClinGen allele CA067840.